The following is an entry in ClinVar:

ClinVar aggregate classification (germline): Likely benign. Review status: criteria provided, single submitter (1 of 4 stars). 2 submissions from 2 submitters: Likely benign (1). 1 of the submissions does not count toward it. Last evaluated 2025-03-19.

Conditions:
Charcot-Marie-Tooth disease type 2R. Also called: CHARCOT-MARIE-TOOTH DISEASE, AXONAL, AUTOSOMAL RECESSIVE, TYPE 2R; Charcot-Marie-Tooth disease, axonal, type 2R; CHARCOT-MARIE-TOOTH NEUROPATHY, TYPE 2R. Identifiers: Orphanet 397968, MedGen C3809655, MONDO:0014208, OMIM 615490.
TRIM2-related disorder. Also called: TRIM2-related condition.

Allele frequency attached by ClinVar (database versions not stated): gnomAD exomes 0.00001; gnomAD 0.00004 and 0.00014; TOPMed 0.00019.
gnomAD v4.1: 37 of 1,613,990 alleles (0.0023%); highest among the groups gnomAD compares: Middle Eastern, 0.066%; no homozygotes.

Submissions (2):

Labcorp Genetics (formerly Invitae), Labcorp
Classification: Likely benign for Charcot-Marie-Tooth disease type 2R. Last evaluated: 2025-03-19. Review status: criteria provided, single submitter. Criteria: Invitae Variant Classification Sherloc (09022015). Collection method: clinical testing. Allele origin: germline.

PreventionGenetics, part of Exact Sciences
Classification: Likely benign for TRIM2-related condition. Last evaluated: 2023-10-23. Review status: no assertion criteria provided. Collection method: clinical testing. Allele origin: germline. Not counted in ClinVar's aggregate classification.
Comment: This variant is classified as likely benign based on ACMG/AMP sequence variant interpretation guidelines (Richards et al. 2015 PMID: 25741868, with internal and published modifications).

NM_015271.5(TRIM2):c.1296G>T (p.Leu432=)

Gene: TRIM2 (tripartite motif containing 2; plus strand). Cytogenetic location: 4q31.3.
Variant type: single nucleotide variant.
Coding change: c.1296G>T on transcript NM_015271.5 (MANE Select); coding-DNA position 1296, G replaced by T.
Protein change: p.Leu432=; no amino-acid change (leucine 432 retained).
Molecular consequence: synonymous variant.
Genome position (GRCh38, 1-based): chr4:153,295,822, G>T. VCF-style: chr4-153295822-G-T. GRCh37 (hg19) VCF-style: chr4-154216974-G-T.
Other names: c.1215G>T, p.Leu405= (NM_001130067.2, NM_001351056.2, NM_001375512.1 and 5 more transcripts); c.1269G>T, p.Leu423= (NM_001351054.2); c.1266G>T, p.Leu422= (NM_001351055.2); c.840G>T, p.Leu280= (NM_001351057.2); c.1389G>T, p.Leu463= (NM_001375488.1); c.1386G>T, p.Leu462= (NM_001375489.1); c.1239G>T, p.Leu413= (NM_001375490.1); c.1236G>T, p.Leu412= (NM_001375491.1); and 4 more.
Identifiers: ClinVar variation 1141583 (VCV001141583.11), dbSNP rs1019168141, ClinGen allele CA107916200.